The following is an entry in ClinVar:

ClinVar aggregate classification (germline): Uncertain significance (1 of 4 stars; one submission).

gnomAD v4.1: 7 of 1,613,886 alleles (0.00043%); highest among the groups gnomAD compares: East Asian, 0.0045%; no homozygotes.

Submission:

Labcorp Genetics (formerly Invitae), Labcorp
Classification: Uncertain significance. Last evaluated: 2025-08-11. Review status: criteria provided, single submitter. Criteria: Invitae Variant Classification Sherloc (09022015). Collection method: clinical testing. Allele origin: germline.
Comment: This sequence change replaces arginine, which is basic and polar, with glutamine, which is neutral and polar, at codon 1421 of the DUOX2 protein (p.Arg1421Gln). This variant is present in population databases (rs138680550, gnomAD 0.005%). This variant has not been reported in the literature in individuals affected with DUOX2-related conditions. ClinVar contains an entry for this variant (Variation ID: 3712287). Invitae Evidence Modeling of protein sequence and biophysical properties (such as structural, functional, and spatial information, amino acid conservation, physicochemical variation, residue mobility, and thermodynamic stability) indicates that this missense variant is expected to disrupt DUOX2 protein function with a positive predictive value of 95%. In summary, the available evidence is currently insufficient to determine the role of this variant in disease. Therefore, it has been classified as a Variant of Uncertain Significance.

NM_001363711.2(DUOX2):c.4262G>A (p.Arg1421Gln)

Gene: DUOX2 (dual oxidase 2; minus strand). Cytogenetic location: 15q21.1.
Variant type: single nucleotide variant.
Coding change: c.4262G>A on transcript NM_001363711.2 (MANE Select); coding-DNA position 4262, G replaced by A.
Protein change: p.Arg1421Gln; replaces arginine 1421 with glutamine.
Molecular consequence: missense variant.
Genome position (GRCh38, 1-based): chr15:45,095,069, C>T on the plus strand (G>A on the coding strand, the complement: DUOX2 is on the minus strand). VCF-style: chr15-45095069-C-T. GRCh37 (hg19) VCF-style: chr15-45387267-C-T.
Other names: c.4262G>A, p.Arg1421Gln (NM_014080.5); short protein forms R1421Q.
Identifiers: ClinVar variation 3712287 (VCV003712287.2).